The following is an entry in ClinVar:

ClinVar aggregate classification (germline): Uncertain significance (1 of 4 stars; one submission).

Conditions:
Developmental and epileptic encephalopathy, 11 (DEE11). Also called: Early infantile epileptic encephalopathy 11. Identifiers: Orphanet 1934, MedGen C3150987, MONDO:0013388, OMIM 613721.
Seizures, benign familial infantile, 3 (BFIS3). Also called: CONVULSIONS, BENIGN FAMILIAL INFANTILE, 3; Familial neonatal seizures. Identifiers: Orphanet 140927, Orphanet 306, MedGen C1843140, MONDO:0011904, OMIM 607745.

Submission:

Labcorp Genetics (formerly Invitae), Labcorp
Classification: Uncertain significance for Seizures, benign familial infantile, 3; Developmental and epileptic encephalopathy, 11. Last evaluated: 2024-10-25. Review status: criteria provided, single submitter. Criteria: Invitae Variant Classification Sherloc (09022015). Collection method: clinical testing. Allele origin: germline.
Comment: This sequence change replaces valine, which is neutral and non-polar, with phenylalanine, which is neutral and non-polar, at codon 797 of the SCN2A protein (p.Val797Phe). This variant is not present in population databases (gnomAD no frequency). This variant has not been reported in the literature in individuals affected with SCN2A-related conditions. An algorithm developed to predict the effect of missense changes on protein structure and function (PolyPhen-2) suggests that this variant is likely to be disruptive. In summary, the available evidence is currently insufficient to determine the role of this variant in disease. Therefore, it has been classified as a Variant of Uncertain Significance.

NM_001040142.2(SCN2A):c.2389G>T (p.Val797Phe)

Gene: SCN2A (sodium voltage-gated channel alpha subunit 2; plus strand). Cytogenetic location: 2q24.3.
Variant type: single nucleotide variant.
Coding change: c.2389G>T on transcript NM_001040142.2 (MANE Select); coding-DNA position 2389, G replaced by T.
Protein change: p.Val797Phe; replaces valine 797 with phenylalanine.
Molecular consequence: missense variant.
Genome position (GRCh38, 1-based): chr2:165,342,296, G>T. VCF-style: chr2-165342296-G-T. GRCh37 (hg19) VCF-style: chr2-166198806-G-T.
Other names: c.2389G>T, p.Val797Phe (NM_001040143.2, NM_001371246.1, NM_001371247.1 and 1 more transcripts); short protein forms V797F.
Identifiers: ClinVar variation 3752777 (VCV003752777.2).
Genomic context (GRCh38, chr2:165,342,296, plus strand): 5'-CAATAATTATTCGTGTTTCAAGAGTATTTGCTCATATAATGAACTACACTTCTCATTTAG[G>T]TCTTCACAGGGATCTTCACAGCAGAAATGTTTCTCAAGATAATTGCCATGGATCCATATT-3'
Protein context (NP_001035232.1, residues 787-807): FSSVLSVGNL[Val797Phe]FTGIFTAEMF